The following is an entry in ClinVar:

NM_032122.5(DTNBP1):c.661C>G (p.Arg221Gly)

Gene: DTNBP1 (dystrobrevin binding protein 1; minus strand). Cytogenetic location: 6p22.3.
Variant type: single nucleotide variant.
Coding change: c.661C>G on transcript NM_032122.5 (MANE Select); coding-DNA position 661, C replaced by G.
Protein change: p.Arg221Gly; replaces arginine 221 with glycine.
Molecular consequence: missense variant. On other transcripts: non-coding transcript variant (1).
Genome position (GRCh38, 1-based): chr6:15,533,246, G>C on the plus strand (C>G on the coding strand, the complement: DTNBP1 is on the minus strand). VCF-style: chr6-15533246-G-C. GRCh37 (hg19) VCF-style: chr6-15533477-G-C.
Other names: c.418C>G, p.Arg140Gly (NM_001271667.2); c.610C>G, p.Arg204Gly (NM_001271668.2); c.556C>G, p.Arg186Gly (NM_001271669.2); c.661C>G, p.Arg221Gly (NM_183040.2); c.661C>G (NM_032122.4); short protein forms R204G, R140G, R186G, R221G.
Identifiers: ClinVar variation 1461913 (VCV001461913.8), dbSNP rs755709396, ClinGen allele CA3643969.
Genomic context (GRCh38, chr6:15,533,246, plus strand): 5'-GCCACCCCGCACAGCCGGTGAGTCCCCACACCAGCAGCCCCAGCCCCCACTCGCCTCGCC[G>C]CTCTGCAATCTGCAGGTAGCCAGTGGACAGGTACTGCTCCATGTCCTGCTGGAAGGCTTC-3'
Protein context (NP_115498.2, residues 211-231): LSTGYLQIAE[Arg221Gly]REPIGSMSSM

ClinVar aggregate classification (germline): Uncertain significance. Review status: criteria provided, multiple submitters, no conflicts (2 of 4 stars). 2 submissions from 2 submitters: Uncertain significance (2). Last evaluated 2024-12-04.

Conditions:
Inborn genetic diseases. Identifiers: MedGen C0950123, MeSH D030342.

Allele frequency attached by ClinVar (database versions not stated): gnomAD 0.00001.
gnomAD v4.1: 27 of 1,613,736 alleles (0.0017%); highest among the groups gnomAD compares: South Asian, 0.025%; 1 homozygote.

Submissions (2):

Ambry Genetics
Classification: Uncertain significance for Inborn genetic diseases. Last evaluated: 2024-12-04. Review status: criteria provided, single submitter. Criteria: Ambry Variant Classification Scheme 2023. Collection method: clinical testing. Allele origin: germline.

Labcorp Genetics (formerly Invitae), Labcorp
Classification: Uncertain significance. Last evaluated: 2022-06-20. Review status: criteria provided, single submitter. Criteria: Invitae Variant Classification Sherloc (09022015). Collection method: clinical testing. Allele origin: germline.
Comment: This variant is present in population databases (rs755709396, gnomAD 0.03%). In summary, the available evidence is currently insufficient to determine the role of this variant in disease. Therefore, it has been classified as a Variant of Uncertain Significance. Algorithms developed to predict the effect of missense changes on protein structure and function (SIFT, PolyPhen-2, Align-GVGD) all suggest that this variant is likely to be disruptive. This variant has not been reported in the literature in individuals affected with DTNBP1-related conditions. This sequence change replaces arginine, which is basic and polar, with glycine, which is neutral and non-polar, at codon 221 of the DTNBP1 protein (p.Arg221Gly).